The following is an entry in ClinVar:

NM_020872.3(CNTN3):c.3055G>A (p.Val1019Ile)

Gene: CNTN3 (contactin 3; minus strand). Cytogenetic location: 3p12.3.
Variant type: single nucleotide variant.
Coding change: c.3055G>A on transcript NM_020872.3 (MANE Select); coding-DNA position 3055, G replaced by A.
Protein change: p.Val1019Ile; replaces valine 1019 with isoleucine.
Molecular consequence: missense variant.
Genome position (GRCh38, 1-based): chr3:74,264,433, C>T on the plus strand (G>A on the coding strand, the complement: CNTN3 is on the minus strand). VCF-style: chr3-74264433-C-T. GRCh37 (hg19) VCF-style: chr3-74313584-C-T.
Other names: c.3055G>A, p.Val1019Ile (NM_001393376.1); short protein forms V1019I.
Identifiers: ClinVar variation 3045546 (VCV003045546.2), dbSNP rs147055375, ClinGen allele CA2494741.

ClinVar aggregate classification (germline): Benign (0 of 4 stars; one submission).

Conditions:
CNTN3-related disorder. Also called: CNTN3-related condition.

Allele frequency attached by ClinVar (database versions not stated): 1000 Genomes Project 30x 0.00047; 1000 Genomes Project 0.00060; ESP Exome Variant Server 0.00069; ExAC 0.00095; gnomAD 0.00095; TOPMed 0.00113.
gnomAD v4.1: 1,012 of 1,609,820 alleles (0.063%); highest among the groups gnomAD compares: African/African-American, 0.088%; 5 homozygotes.

Submission:

PreventionGenetics, part of Exact Sciences
Classification: Benign for CNTN3-related condition. Last evaluated: 2019-10-30. Review status: no assertion criteria provided. Collection method: clinical testing. Allele origin: germline.
Comment: This variant is classified as benign based on ACMG/AMP sequence variant interpretation guidelines (Richards et al. 2015 PMID: 25741868, with internal and published modifications).